The following is an entry in ClinVar:

NM_003907.3(EIF2B5):c.953T>C (p.Val318Ala)

Gene: EIF2B5 (eukaryotic translation initiation factor 2B subunit epsilon; plus strand). Cytogenetic location: 3q27.1.
Variant type: single nucleotide variant.
Coding change: c.953T>C on transcript NM_003907.3 (MANE Select); coding-DNA position 953, T replaced by C.
Protein change: p.Val318Ala; replaces valine 318 with alanine.
Molecular consequence: missense variant.
Genome position (GRCh38, 1-based): chr3:184,140,527, T>C. VCF-style: chr3-184140527-T-C. GRCh37 (hg19) VCF-style: chr3-183858315-T-C.
Other names: short protein forms V318A.
Identifiers: ClinVar variation 1475157 (VCV001475157.6), dbSNP rs1713583429, ClinGen allele CA355385311.
Genomic context (GRCh38, chr3:184,140,527, plus strand): 5'-CCCGTGTCTCCAACCTACACATGTACTCAGCTGTCTGTGCTGACGTCATCCGCCGATGGG[T>C]CTACCCTCTCACCCCAGAGGCGAACTTCACTGACAGCACCACCCAGAGCTGCACTCATTC-3'
Protein context (NP_003898.2, residues 308-328): AVCADVIRRW[Val318Ala]YPLTPEANFT

ClinVar aggregate classification (germline): Uncertain significance (1 of 4 stars; one submission).

Allele frequency attached by ClinVar (database versions not stated): gnomAD exomes below 0.00001; TOPMed below 0.00001.
gnomAD v4.1: 1 of 1,614,120 alleles (0.000062%); highest among the groups gnomAD compares: South Asian, 0.0011%; no homozygotes.

Submission:

Labcorp Genetics (formerly Invitae), Labcorp
Classification: Uncertain significance. Last evaluated: 2022-04-20. Review status: criteria provided, single submitter. Criteria: Invitae Variant Classification Sherloc (09022015). Collection method: clinical testing. Allele origin: germline.
Comment: In summary, the available evidence is currently insufficient to determine the role of this variant in disease. Therefore, it has been classified as a Variant of Uncertain Significance. Advanced modeling of protein sequence and biophysical properties (such as structural, functional, and spatial information, amino acid conservation, physicochemical variation, residue mobility, and thermodynamic stability) performed at Invitae indicates that this missense variant is not expected to disrupt EIF2B5 protein function. This variant has not been reported in the literature in individuals affected with EIF2B5-related conditions. This variant is not present in population databases (gnomAD no frequency). This sequence change replaces valine, which is neutral and non-polar, with alanine, which is neutral and non-polar, at codon 318 of the EIF2B5 protein (p.Val318Ala).